The following is an entry in ClinVar:

NM_145649.5(GCNT2):c.14G>A (p.Trp5Ter)

Gene: GCNT2 (glucosaminyl (N-acetyl) transferase 2 (I blood group); plus strand). Cytogenetic location: 6p24.3.
Variant type: single nucleotide variant.
Coding change: c.14G>A on transcript NM_145649.5 (MANE Select); coding-DNA position 14, G replaced by A.
Protein change: p.Trp5Ter; replaces tryptophan 5 with a stop codon.
Molecular consequence: nonsense.
Genome position (GRCh38, 1-based): chr6:10,528,925, G>A. VCF-style: chr6-10528925-G-A. GRCh37 (hg19) VCF-style: chr6-10529158-G-A.
Other names: c.14G>A (NM_145649.4); c.14G>A, p.Trp5Ter (NM_001374747.1); short protein forms W5*.
Identifiers: ClinVar variation 1065633 (VCV001065633.5), dbSNP rs185805779, ClinGen allele CA3631637.

ClinVar aggregate classification (germline): Conflicting classifications of pathogenicity. Review status: criteria provided, conflicting classifications (1 of 4 stars). 4 submissions from 4 submitters: Pathogenic (1); Likely pathogenic (1); Uncertain significance (1). 1 of the submissions does not count toward it. Last evaluated 2025-08-06.

Conditions:
GCNT2-related disorder. Also called: GCNT2-related condition.
Cataract 13 with adult I phenotype. Identifiers: Orphanet 91492, MedGen C3805373, MONDO:0007289, OMIM 116700.

Allele frequency attached by ClinVar (database versions not stated): ESP Exome Variant Server 0.00008; gnomAD exomes 0.00011 and 0.00030; TOPMed 0.00022; gnomAD 0.00023 and 0.00031; ExAC 0.00033; 1000 Genomes Project 0.00100; 1000 Genomes Project 30x 0.00125.
gnomAD v4.1: 259 of 1,612,896 alleles (0.016%); highest among the groups gnomAD compares: South Asian, 0.12%; no homozygotes.

Submissions (4):

First Genomix Gene Laboratory, Genetic Diagnostics Department
Classification: Likely pathogenic for Cataract 13 with adult I phenotype. Last evaluated: 2025-08-06. Review status: criteria provided, single submitter. Criteria: ACMG Guidelines, 2015. Collection method: clinical testing. Allele origin: germline. Inheritance: Autosomal recessive inheritance. Affected: no. Observed: 1 variant allele.

Blueprint Genetics
Classification: Uncertain significance. Last evaluated: 2024-10-09. Review status: criteria provided, single submitter. Criteria: ACMG Guidelines, 2015. Collection method: clinical testing. Allele origin: germline.

School of Computer Science, University of Waterloo
Classification: Pathogenic for Cataract 13 with adult I phenotype. Last evaluated: 2021-05-06. Review status: criteria provided, single submitter. Criteria: ACMG Guidelines, 2015. Collection method: clinical testing. Allele origin: germline. Affected: no. Observed: 30 variant alleles.
Comment: Evidence categories PVS1, PM2 and PM4 in ACMG guidelines. This stop-gained variant in gene GCNT2 leads to a premature termination codon NP_001361676.1:p.Trp5Ter and disrupts the whole protein.

PreventionGenetics, part of Exact Sciences
Classification: Uncertain significance for GCNT2-related condition. Last evaluated: 2024-05-10. Review status: no assertion criteria provided. Collection method: clinical testing. Allele origin: germline. Not counted in ClinVar's aggregate classification.
Comment: The GCNT2 c.14G>A variant is predicted to result in premature protein termination (p.Trp5*). In the tissue specific transcript found within the lens of the eye (NM_001491.2), this variant is found within a non-coding region (c.-27499G>A). To our knowledge, this variant has not been documented in the literature. This variant is reported in 0.17% of alleles in individuals of East Asian descent in gnomAD. Although we suspect that this variant may be benign, at this time, the clinical significance of this variant is uncertain due to the absence of conclusive functional and genetic evidence.